The following is an entry in ClinVar:

NM_004725.4(BUB3):c.934T>A (p.Phe312Ile)

Gene: BUB3 (BUB3 mitotic checkpoint protein; plus strand). Cytogenetic location: 10q26.13.
Variant type: single nucleotide variant.
Coding change: c.934T>A on transcript NM_004725.4 (MANE Select); coding-DNA position 934, T replaced by A.
Protein change: p.Phe312Ile; replaces phenylalanine 312 with isoleucine.
Molecular consequence: missense variant.
Genome position (GRCh38, 1-based): chr10:123,162,791, T>A. VCF-style: chr10-123162791-T-A. GRCh37 (hg19) VCF-style: chr10-124922307-T-A.
Other names: c.934T>A, p.Phe312Ile (NM_001007793.3); short protein forms F312I.
Identifiers: ClinVar variation 1766661 (VCV001766661.2), dbSNP rs2493767314, ClinGen allele CA378627239.

ClinVar aggregate classification (germline): Uncertain significance (1 of 4 stars; one submission).

Submission:

Ambry Genetics
Classification: Uncertain significance. Last evaluated: 2022-09-08. Review status: criteria provided, single submitter. Criteria: Ambry Variant Classification Scheme 2023. Collection method: clinical testing. Allele origin: germline.
Comment: The p.F312I variant (also known as c.934T>A), located in coding exon 6 of the BUB3 gene, results from a T to A substitution at nucleotide position 934. The phenylalanine at codon 312 is replaced by isoleucine, an amino acid with highly similar properties. This amino acid position is conserved. In addition, this alteration is predicted to be tolerated by in silico analysis. Since supporting evidence is limited at this time, the clinical significance of this alteration remains unclear.